The following is an entry in ClinVar:

NM_021098.3(CACNA1H):c.1795G>A (p.Ala599Thr)

Gene: CACNA1H (calcium voltage-gated channel subunit alpha1 H; plus strand). Cytogenetic location: 16p13.3.
Variant type: single nucleotide variant.
Coding change: c.1795G>A on transcript NM_021098.3 (MANE Select); coding-DNA position 1795, G replaced by A.
Protein change: p.Ala599Thr; replaces alanine 599 with threonine.
Molecular consequence: missense variant.
Genome position (GRCh38, 1-based): chr16:1,202,245, G>A. VCF-style: chr16-1202245-G-A. GRCh37 (hg19) VCF-style: chr16-1252245-G-A.
Other names: c.1795G>A, p.Ala599Thr (NM_001005407.2); short protein forms A599T.
Identifiers: ClinVar variation 529605 (VCV000529605.14), dbSNP rs776370351, ClinGen allele CA7800011.

ClinVar aggregate classification (germline): Conflicting classifications of pathogenicity. Review status: criteria provided, conflicting classifications (1 of 4 stars). 5 submissions from 5 submitters: Uncertain significance (4); Benign (1). Last evaluated 2025-09-16.

Conditions:
Idiopathic generalized epilepsy. Also called: Generalised epilepsy; EIG. Identifiers: MedGen C0270850, MONDO:0005579, OMIM 600669.
Hyperaldosteronism, familial, type IV (HALD4). Also called: FH IV; ALDOSTERONISM, PRIMARY, AND HYPERTENSION. Identifiers: Orphanet 642671, MedGen C4310756, MONDO:0014875, OMIM 617027.
Epilepsy, childhood absence, susceptibility to, 6. Identifiers: Orphanet 64280, MedGen C2749872, MONDO:0012763, OMIM 611942.
Inborn genetic diseases. Identifiers: MedGen C0950123, MeSH D030342.

Allele frequency attached by ClinVar (database versions not stated): gnomAD exomes 0.00005 and 0.00004; TOPMed 0.00027; ExAC 0.00006; gnomAD 0.00028 and 0.00033.
gnomAD v4.1: 100 of 1,564,500 alleles (0.0064%); highest among the groups gnomAD compares: African/African-American, 0.094%; no homozygotes.

Submissions (5):

Labcorp Genetics (formerly Invitae), Labcorp
Classification: Benign for Idiopathic generalized epilepsy; Hyperaldosteronism, familial, type IV. Last evaluated: 2025-09-16. Review status: criteria provided, single submitter. Criteria: Invitae Variant Classification Sherloc (09022015). Collection method: clinical testing. Allele origin: germline.

Dasa
Classification: Uncertain significance. Last evaluated: 2025-08-18. Review status: criteria provided, single submitter. Criteria: DASA Assertion Criteria. Collection method: clinical testing. Allele origin: germline.
Comment: NM_021098.3(CACNA1H):c.1795G>A (p.Ala599Thr) is a missense variant that results in the substitution of alanine with threonine. This classification is supported by population frequency inconsistent with a disease-causing role. The currently available literature and clinical evidence are not sufficient to establish a definitive association between this variant and the reported condition. Therefore, this variant is classified as a variant of uncertain significance.

Ambry Genetics
Classification: Uncertain significance for Inborn genetic diseases. Last evaluated: 2023-07-05. Review status: criteria provided, single submitter. Criteria: Ambry Variant Classification Scheme 2023. Collection method: clinical testing. Allele origin: germline.

Fulgent Genetics
Classification: Uncertain significance for Epilepsy, childhood absence, susceptibility to, 6; Hyperaldosteronism, familial, type IV. Last evaluated: 2022-03-03. Review status: criteria provided, single submitter. Criteria: ACMG Guidelines, 2015. Collection method: clinical testing. Allele origin: unknown.

Breakthrough Genomics
Classification: Uncertain significance. Review status: criteria provided, single submitter. Criteria: ACMG Guidelines, 2015. Collection method: not provided. Allele origin: germline. Inheritance: Autosomal dominant inheritance. Affected: yes.